The following is an entry in ClinVar:

ClinVar aggregate classification (germline): Uncertain significance (1 of 4 stars; one submission).

Conditions:
Hereditary cancer-predisposing syndrome. Also called: Neoplastic Syndromes, Hereditary; Tumor predisposition; Hereditary Cancer Syndrome; Hereditary neoplastic syndrome. Identifiers: Orphanet 140162, MedGen C0027672, MeSH D009386, MONDO:0015356.

Submission:

Color Diagnostics, LLC DBA Color Health
Classification: Uncertain significance for Hereditary cancer-predisposing syndrome. Last evaluated: 2019-11-18. Review status: criteria provided, single submitter. Criteria: ACMG Guidelines, 2015. Collection method: clinical testing. Allele origin: germline.
Comment: This variant causes a T>A nucleotide substitution at the -3 position of intron 11 of the BRIP1 gene. Splice site prediction tools are inconclusive regarding the impact of this variant on RNA splicing. To our knowledge, functional studies have not been performed for this variant. This variant has not been reported in individuals affected with hereditary cancer in the literature. This variant has not been identified in the general population by the Genome Aggregation Database (gnomAD). The available evidence is insufficient to determine the role of this variant in disease conclusively. Therefore, this variant is classified as a Variant of Uncertain Significance.

NM_032043.3(BRIP1):c.1629-3T>A

Gene: BRIP1 (BRCA1 interacting DNA helicase 1; minus strand). Cytogenetic location: 17q23.2.
Variant type: single nucleotide variant.
Coding change: c.1629-3T>A on transcript NM_032043.3 (MANE Select); 3 bases into the intron before coding-DNA position 1629, T replaced by A.
Molecular consequence: intron variant.
Genome position (GRCh38, 1-based): chr17:61,781,008, A>T on the plus strand (T>A on the coding strand, the complement: BRIP1 is on the minus strand). VCF-style: chr17-61781008-A-T. GRCh37 (hg19) VCF-style: chr17-59858369-A-T.
Identifiers: ClinVar variation 924700 (VCV000924700.3), dbSNP rs587780828, ClinGen allele CA1139665784.
Genomic context (GRCh38, chr17:61,781,008, plus strand): 5'-AATCTGATTTGTCCAGGAGTAAGTCTGTTGAATCGCAATTTTATAATCATCTGCAAATCT[A>T]GATGCAAAGAAAGTGCTAATTAAGTGGCAAAACTTTTAAAACCTATGACCCAGCTACATA-3'